The following is an entry in ClinVar:

NM_000465.4(BARD1):c.464G>T (p.Arg155Ile)

Gene: BARD1 (BRCA1 associated RING domain 1; minus strand). Cytogenetic location: 2q35.
Variant type: single nucleotide variant.
Coding change: c.464G>T on transcript NM_000465.4 (MANE Select); coding-DNA position 464, G replaced by T.
Protein change: p.Arg155Ile; replaces arginine 155 with isoleucine.
Molecular consequence: missense variant. On other transcripts: non-coding transcript variant (2), intron variant (3).
Genome position (GRCh38, 1-based): chr2:214,781,410, C>A on the plus strand (G>T on the coding strand, the complement: BARD1 is on the minus strand). VCF-style: chr2-214781410-C-A. GRCh37 (hg19) VCF-style: chr2-215646134-C-A.
Other names: c.407G>T, p.Arg136Ile (NM_001282543.2); c.158+28002G>T (NM_001282548.2); c.215+15651G>T (NM_001282545.2); c.364+10887G>T (NM_001282549.2); short protein forms R155I, R136I.
Identifiers: ClinVar variation 3260430 (VCV003260430.1).
Genomic context (GRCh38, chr2:214,781,410, plus strand): 5'-GCACTTGCATCTTTTTTTATTGCAGGCTGGGTTTGCACTGAAGCTTTACTCACAACATAT[C>A]TGACTTTCTTACTTCGAGGGCTAAACCACATTTTAATTGAATTCTTCTTGTTTCCTGCAT-3'
Protein context (NP_000456.2, residues 145-165): MWFSPRSKKV[Arg155Ile]YVVSKASVQT

ClinVar aggregate classification (germline): Uncertain significance (1 of 4 stars; one submission).

Conditions:
Hereditary cancer-predisposing syndrome. Also called: Hereditary Cancer Syndrome; Tumor predisposition; Hereditary neoplastic syndrome; Neoplastic Syndromes, Hereditary. Identifiers: Orphanet 140162, MedGen C0027672, MeSH D009386, MONDO:0015356.

Submission:

Ambry Genetics
Classification: Uncertain significance for Hereditary cancer-predisposing syndrome. Last evaluated: 2024-03-31. Review status: criteria provided, single submitter. Criteria: Ambry Variant Classification Scheme 2023. Collection method: clinical testing. Allele origin: germline.
Comment: The p.R155I variant (also known as c.464G>T), located in coding exon 4 of the BARD1 gene, results from a G to T substitution at nucleotide position 464. The arginine at codon 155 is replaced by isoleucine, an amino acid with similar properties. This amino acid position is conserved. In addition, the in silico prediction for this alteration is inconclusive. Based on the available evidence, the clinical significance of this alteration remains unclear.